The following is an entry in ClinVar:

ClinVar aggregate classification (germline): Uncertain significance (1 of 4 stars; one submission).

Conditions:
Combined immunodeficiency due to LRBA deficiency. Also called: Common variable immunodeficiency 8, with autoimmunity. Identifiers: Orphanet 445018, MedGen C3553512, MONDO:0013863, OMIM 614700.

Submission:

Labcorp Genetics (formerly Invitae), Labcorp
Classification: Uncertain significance for Combined immunodeficiency due to LRBA deficiency. Last evaluated: 2024-11-18. Review status: criteria provided, single submitter. Criteria: Invitae Variant Classification Sherloc (09022015). Collection method: clinical testing. Allele origin: germline.
Comment: This sequence change replaces valine, which is neutral and non-polar, with aspartic acid, which is acidic and polar, at codon 611 of the LRBA protein (p.Val611Asp). This variant is not present in population databases (gnomAD no frequency). This variant has not been reported in the literature in individuals affected with LRBA-related conditions. ClinVar contains an entry for this variant (Variation ID: 648043). Invitae Evidence Modeling of protein sequence and biophysical properties (such as structural, functional, and spatial information, amino acid conservation, physicochemical variation, residue mobility, and thermodynamic stability) indicates that this missense variant is expected to disrupt LRBA protein function with a positive predictive value of 80%. In summary, the available evidence is currently insufficient to determine the role of this variant in disease. Therefore, it has been classified as a Variant of Uncertain Significance.

NM_001364905.1(LRBA):c.1832T>A (p.Val611Asp)

Gene: LRBA (LPS responsive beige-like anchor protein; minus strand). Cytogenetic location: 4q31.3.
Variant type: single nucleotide variant.
Coding change: c.1832T>A on transcript NM_001364905.1 (MANE Select); coding-DNA position 1832, T replaced by A.
Protein change: p.Val611Asp; replaces valine 611 with aspartic acid.
Molecular consequence: missense variant.
Genome position (GRCh38, 1-based): chr4:150,900,141, A>T on the plus strand (T>A on the coding strand, the complement: LRBA is on the minus strand). VCF-style: chr4-150900141-A-T. GRCh37 (hg19) VCF-style: chr4-151821293-A-T.
Other names: c.1832T>A, p.Val611Asp (NM_001199282.3, NM_001367550.1, NM_006726.5); short protein forms V611D.
Identifiers: ClinVar variation 648043 (VCV000648043.8), dbSNP rs372038367, ClinGen allele CA358430210.
Genomic context (GRCh38, chr4:150,900,141, plus strand): 5'-TGAGGATTCACTGCCCAGTAGTAGTACTTCAGCGTGTGCATGATGAGAAGCACTGTTCCA[A>T]CTCTCCGAATGGTGTTATATATGTTGACTGTACCAATGAATTCCGTGGACAGATAAGTAT-3'
Protein context (NP_001351834.1, residues 601-621): TVNIYNTIRR[Val611Asp]GTVLLIMHTL